The following is an entry in ClinVar:

NM_000168.6(GLI3):c.1647+13G>A

Gene: GLI3 (GLI family zinc finger 3; minus strand). Cytogenetic location: 7p14.1.
Variant type: single nucleotide variant.
Coding change: c.1647+13G>A on transcript NM_000168.6 (MANE Select); 13 bases into the intron after coding-DNA position 1647, G replaced by A.
Molecular consequence: intron variant.
Genome position (GRCh38, 1-based): chr7:41,978,586, C>T on the plus strand (G>A on the coding strand, the complement: GLI3 is on the minus strand). VCF-style: chr7-41978586-C-T. GRCh37 (hg19) VCF-style: chr7-42018185-C-T.
Identifiers: ClinVar variation 360244 (VCV000360244.14), dbSNP rs149955824, ClinGen allele CA4230793.

ClinVar aggregate classification (germline): Benign/Likely benign. Review status: criteria provided, multiple submitters, no conflicts (2 of 4 stars). 7 submissions from 5 submitters: Benign (5); Likely benign (2). Last evaluated 2025-12-22.

Conditions:
Pallister-Hall syndrome (PHS). Also called: HYPOTHALAMIC HAMARTOBLASTOMA, HYPOPITUITARISM, IMPERFORATE ANUS, AND POSTAXIAL POLYDACTYLY; GLI3-Related Pallister-Hall Syndrome. Identifiers: Orphanet 672, MedGen C0265220, MONDO:0007804, OMIM 146510.
Greig cephalopolysyndactyly syndrome (GCPS). Also called: POLYSYNDACTYLY WITH PECULIAR SKULL SHAPE; GLI3-Related Greig Cephalopolysyndactyly Syndrome; Greig syndrome. Identifiers: Orphanet 380, MedGen C0265306, MONDO:0008287, OMIM 175700.
Polydactyly, postaxial, type A1. Identifiers: MedGen C4282400, MONDO:0008266, OMIM 174200.
Polysyndactyly 4. Also called: Polysyndactyly uncomplicated; Preaxial polydactyly 4. Identifiers: Orphanet 93338, MedGen C1868111, MONDO:0008272, OMIM 174700.
Polydactyly. Also called: polydactylism. Identifiers: MedGen C0152427, MONDO:0021003, OMIM 603596, HP:0010442.

Allele frequency attached by ClinVar (database versions not stated): 1000 Genomes Project 30x 0.00047; 1000 Genomes Project 0.00060; gnomAD 0.00064 and 0.00066; TOPMed 0.00067; ESP Exome Variant Server 0.00069; ExAC 0.00087; gnomAD exomes 0.00095.
gnomAD v4.1: 1,422 of 1,614,024 alleles (0.088%); highest among the groups gnomAD compares: Non-Finnish European, 0.078%; 3 homozygotes.

Submissions (7):

Labcorp Genetics (formerly Invitae), Labcorp
Classification: Benign for Pallister-Hall syndrome; Greig cephalopolysyndactyly syndrome. Last evaluated: 2025-12-22. Review status: criteria provided, single submitter. Criteria: Invitae Variant Classification Sherloc (09022015). Collection method: clinical testing. Allele origin: germline.

Blueprint Genetics
Classification: Likely benign. Last evaluated: 2024-11-19. Review status: criteria provided, single submitter. Criteria: ACMG Guidelines, 2015. Collection method: clinical testing. Allele origin: germline.

Fulgent Genetics
Classification: Likely benign for Pallister-Hall syndrome; Polydactyly, postaxial, type A1; Polysyndactyly 4; Greig cephalopolysyndactyly syndrome. Last evaluated: 2021-11-05. Review status: criteria provided, single submitter. Criteria: ACMG Guidelines, 2015. Collection method: clinical testing. Allele origin: unknown.

Illumina Laboratory Services, Illumina
Classification: Benign for Pallister-Hall syndrome. Last evaluated: 2018-01-12. Review status: criteria provided, single submitter. Criteria: ICSL Variant Classification Criteria 13 December 2019. Collection method: clinical testing. Allele origin: germline.
Comment: This variant was observed in the ICSL laboratory as part of a predisposition screen in an ostensibly healthy population. It had not been previously curated by ICSL or reported in the Human Gene Mutation Database (HGMD: prior to June 1st, 2018), and was therefore a candidate for classification through an automated scoring system. Utilizing variant allele frequency, disease prevalence and penetrance estimates, and inheritance mode, an automated score was calculated to assess if this variant is too frequent to cause the disease. Based on the score and internal cut-off values, a variant classified as benign is not then subjected to further curation. The score for this variant resulted in a classification of benign for this disease.

Illumina Laboratory Services, Illumina
Classification: Benign for Polydactyly. Last evaluated: 2018-01-12. Review status: criteria provided, single submitter. Criteria: ICSL Variant Classification Criteria 13 December 2019. Collection method: clinical testing. Allele origin: germline.
Comment: the same text as in the submission from Illumina Laboratory Services, Illumina above.

Illumina Laboratory Services, Illumina
Classification: Benign for Greig cephalopolysyndactyly syndrome. Last evaluated: 2018-01-12. Review status: criteria provided, single submitter. Criteria: ICSL Variant Classification Criteria 13 December 2019. Collection method: clinical testing. Allele origin: germline.
Comment: the same text as in the submission from Illumina Laboratory Services, Illumina above.

GeneDx
Classification: Benign. Last evaluated: 2017-10-19. Review status: criteria provided, single submitter. Criteria: GeneDx Variant Classification (06012015). Collection method: clinical testing. Allele origin: germline. Affected: yes.
Comment: This variant is considered likely benign or benign based on one or more of the following criteria: it is a conservative change, it occurs at a poorly conserved position in the protein, it is predicted to be benign by multiple in silico algorithms, and/or has population frequency not consistent with disease.